The following is an entry in ClinVar:

NM_004385.5(VCAN):c.2024C>G (p.Ser675Cys)

Gene: VCAN (versican; plus strand). Cytogenetic location: 5q14.3.
Variant type: single nucleotide variant.
Coding change: c.2024C>G on transcript NM_004385.5 (MANE Select); coding-DNA position 2024, C replaced by G.
Protein change: p.Ser675Cys; replaces serine 675 with cysteine.
Molecular consequence: missense variant. On other transcripts: intron variant (2).
Genome position (GRCh38, 1-based): chr5:83,520,330, C>G. VCF-style: chr5-83520330-C-G. GRCh37 (hg19) VCF-style: chr5-82816149-C-G.
Other names: c.2024C>G, p.Ser675Cys (NM_001164098.2); c.1042+7934C>G (NM_001164097.2, NM_001126336.3); short protein forms S675C.
Identifiers: ClinVar variation 3724835 (VCV003724835.2).

ClinVar aggregate classification (germline): Uncertain significance (1 of 4 stars; one submission).

Submission:

Labcorp Genetics (formerly Invitae), Labcorp
Classification: Uncertain significance. Last evaluated: 2024-11-07. Review status: criteria provided, single submitter. Criteria: Invitae Variant Classification Sherloc (09022015). Collection method: clinical testing. Allele origin: germline.
Comment: This sequence change replaces serine, which is neutral and polar, with cysteine, which is neutral and slightly polar, at codon 675 of the VCAN protein (p.Ser675Cys). This variant is not present in population databases (gnomAD no frequency). This variant has not been reported in the literature in individuals affected with VCAN-related conditions. An algorithm developed to predict the effect of missense changes on protein structure and function (PolyPhen-2) suggests that this variant is likely to be disruptive. In summary, the available evidence is currently insufficient to determine the role of this variant in disease. Therefore, it has been classified as a Variant of Uncertain Significance.